The following is an entry in ClinVar:

NM_006690.4(MMP24):c.1287C>T (p.Ile429=)

Genes: MMP24 (matrix metallopeptidase 24; plus strand), MMP24-AS1-EDEM2 (MMP24-AS1-EDEM2 readthrough; minus strand). Cytogenetic location: 20q11.22.
Variant type: single nucleotide variant.
Coding change: c.1287C>T on transcript NM_006690.4 (MANE Select); coding-DNA position 1287, C replaced by T.
Protein change: p.Ile429=; no amino-acid change (isoleucine 429 retained).
Molecular consequence: synonymous variant. On other transcripts: intron variant (1).
Genome position (GRCh38, 1-based): chr20:35,269,852, C>T. VCF-style: chr20-35269852-C-T. GRCh37 (hg19) VCF-style: chr20-33857655-C-T.
Other names: c.-463+2153G>A (NM_001355008.2).
Identifiers: ClinVar variation 2652279 (VCV002652279.24), dbSNP rs111895945, ClinGen allele CA9830660.

ClinVar aggregate classification (germline): Likely benign (1 of 4 stars; one submission).

Allele frequency attached by ClinVar (database versions not stated): ESP Exome Variant Server 0.00033; gnomAD 0.00080; TOPMed 0.00083; ExAC 0.00188; 1000 Genomes Project 0.00200; 1000 Genomes Project 30x 0.00203.
gnomAD v4.1: 889 of 1,553,810 alleles (0.057%); highest among the groups gnomAD compares: Middle Eastern, 1.3%; 11 homozygotes.

Submission:

CeGaT Center for Human Genetics Tuebingen
Classification: Likely benign. Last evaluated: 2023-02-01. Review status: criteria provided, single submitter. Criteria: CeGaT Center For Human Genetics Tuebingen Variant Classification Criteria Version 2. Collection method: clinical testing. Allele origin: germline. Affected: yes. Observed: 1 variant allele.
Comment: MMP24: BP4, BP7